The following is an entry in ClinVar:

ClinVar aggregate classification (germline): Uncertain significance (1 of 4 stars; one submission).

Conditions:
Dyskeratosis congenita, autosomal recessive 6 (DKCB6). Identifiers: MedGen C4225356, MONDO:0014600, OMIM 616353.
Pulmonary fibrosis and/or bone marrow failure, Telomere-related, 4. Also called: PULMONARY FIBROSIS AND/OR BONE MARROW FAILURE SYNDROME, TELOMERE-RELATED, 4. Identifiers: Orphanet 2032, MedGen C4225347, MONDO:0014612, OMIM 616371.

gnomAD v4.1: 9 of 1,610,610 alleles (0.00056%); highest among the groups gnomAD compares: Non-Finnish European, 0.00068%; no homozygotes.

Submission:

Labcorp Genetics (formerly Invitae), Labcorp
Classification: Uncertain significance for Dyskeratosis congenita, autosomal recessive 6; Pulmonary fibrosis and/or bone marrow failure, Telomere-related, 4. Last evaluated: 2024-07-15. Review status: criteria provided, single submitter. Criteria: Invitae Variant Classification Sherloc (09022015). Collection method: clinical testing. Allele origin: germline.
Comment: This sequence change replaces alanine, which is neutral and non-polar, with valine, which is neutral and non-polar, at codon 501 of the PARN protein (p.Ala501Val). This variant is present in population databases (rs772982109, gnomAD no frequency). This variant has not been reported in the literature in individuals affected with PARN-related conditions. Advanced modeling of protein sequence and biophysical properties (such as structural, functional, and spatial information, amino acid conservation, physicochemical variation, residue mobility, and thermodynamic stability) performed at Invitae indicates that this missense variant is not expected to disrupt PARN protein function with a negative predictive value of 80%. In summary, the available evidence is currently insufficient to determine the role of this variant in disease. Therefore, it has been classified as a Variant of Uncertain Significance.

NM_002582.4(PARN):c.1502C>T (p.Ala501Val)

Gene: PARN (poly(A)-specific ribonuclease; minus strand). Cytogenetic location: 16p13.12.
Variant type: single nucleotide variant.
Coding change: c.1502C>T on transcript NM_002582.4 (MANE Select); coding-DNA position 1502, C replaced by T.
Protein change: p.Ala501Val; replaces alanine 501 with valine.
Molecular consequence: missense variant.
Genome position (GRCh38, 1-based): chr16:14,482,806, G>A on the plus strand (C>T on the coding strand, the complement: PARN is on the minus strand). VCF-style: chr16-14482806-G-A. GRCh37 (hg19) VCF-style: chr16-14576663-G-A.
Other names: c.1319C>T, p.Ala440Val (NM_001134477.3); c.1364C>T, p.Ala455Val (NM_001242992.2); short protein forms A440V, A455V, A501V.
Identifiers: ClinVar variation 3760592 (VCV003760592.2).